The following is an entry in ClinVar:

ClinVar aggregate classification (germline): Uncertain significance. Review status: criteria provided, multiple submitters, no conflicts (2 of 4 stars). 2 submissions from 2 submitters: Uncertain significance (2). Last evaluated 2025-08-01.

Conditions:
Thrombocytopenia 2 (THC2). Also called: ANKRD26-Related Thrombocytopenia. Identifiers: Orphanet 268322, MedGen C1861185, MONDO:0008555, OMIM 188000.
Inborn genetic diseases. Identifiers: MedGen C0950123, MeSH D030342.

Submissions (2):

Ambry Genetics
Classification: Uncertain significance for Inborn genetic diseases. Last evaluated: 2025-08-01. Review status: criteria provided, single submitter. Criteria: Ambry Variant Classification Scheme 2023. Collection method: clinical testing. Allele origin: germline.
Comment: The p.H1018R variant (also known as c.3053A>G), located in coding exon 24 of the ANKRD26 gene, results from an A to G substitution at nucleotide position 3053. The histidine at codon 1018 is replaced by arginine, an amino acid with highly similar properties. This amino acid position is conserved. In addition, this alteration is predicted to be tolerated by in silico analysis. Based on the available evidence, the clinical significance of this variant remains unclear.

Illumina Laboratory Services, Illumina
Classification: Uncertain significance for Thrombocytopenia 2. Last evaluated: 2018-01-13. Review status: criteria provided, single submitter. Criteria: ICSL Variant Classification Criteria 13 December 2019. Collection method: clinical testing. Allele origin: germline.

NM_014915.3(ANKRD26):c.3053A>G (p.His1018Arg)

Gene: ANKRD26 (ankyrin repeat domain 26; minus strand). Cytogenetic location: 10p12.1.
Variant type: single nucleotide variant.
Coding change: c.3053A>G on transcript NM_014915.3 (MANE Select); coding-DNA position 3053, A replaced by G.
Protein change: p.His1018Arg; replaces histidine 1018 with arginine.
Molecular consequence: missense variant.
Genome position (GRCh38, 1-based): chr10:27,035,397, T>C on the plus strand (A>G on the coding strand, the complement: ANKRD26 is on the minus strand). VCF-style: chr10-27035397-T-C. GRCh37 (hg19) VCF-style: chr10-27324326-T-C.
Other names: c.3050A>G, p.His1017Arg (NM_001256053.2); short protein forms H1017R, H1018R.
Identifiers: ClinVar variation 878854 (VCV000878854.5), dbSNP rs2054011229, ClinGen allele CA376364484.